The following is an entry in ClinVar:

NM_016239.4(MYO15A):c.8183G>A (p.Arg2728His)

Gene: MYO15A (myosin XVA; plus strand). Cytogenetic location: 17p11.2.
Variant type: single nucleotide variant.
Coding change: c.8183G>A on transcript NM_016239.4 (MANE Select); coding-DNA position 8183, G replaced by A.
Protein change: p.Arg2728His; replaces arginine 2728 with histidine.
Molecular consequence: missense variant.
Genome position (GRCh38, 1-based): chr17:18,154,714, G>A. VCF-style: chr17-18154714-G-A. GRCh37 (hg19) VCF-style: chr17-18058028-G-A.
Other names: short protein forms R2728H.
Identifiers: ClinVar variation 228276 (VCV000228276.37), dbSNP rs184435771, ClinGen allele CA8425074.

ClinVar aggregate classification (germline): Pathogenic/Likely pathogenic. Review status: criteria provided, multiple submitters, no conflicts (2 of 4 stars). 14 submissions from 14 submitters: Pathogenic (9); Likely pathogenic (5). Last evaluated 2026-07-07.

Conditions:
Monogenic hearing loss.
MYO15A-related disorder. Also called: MYO15A-related condition.
Rare genetic deafness. Identifiers: Orphanet 96210, MedGen C5680250.
Autosomal recessive nonsyndromic hearing loss 3. Also called: NEUROSENSORY NONSYNDROMIC RECESSIVE DEAFNESS 3. Identifiers: Orphanet 90636, MedGen C1838263, MONDO:0010860, OMIM 600316.
Inborn genetic diseases. Identifiers: MedGen C0950123, MeSH D030342.
Hearing impairment. Also called: Impaired Hearing. Identifiers: MedGen C1384666, MONDO:0005365, HP:0000365.

Allele frequency attached by ClinVar (database versions not stated): TOPMed 0.00006; gnomAD 0.00011; gnomAD exomes 0.00019; ExAC 0.00022; ESP Exome Variant Server 0.00024; 1000 Genomes Project 0.00060; 1000 Genomes Project 30x 0.00062.
gnomAD v4.1: 147 of 1,613,724 alleles (0.0091%); highest among the groups gnomAD compares: African/African-American, 0.008%; no homozygotes.

Submissions 1 to 12 of 14:

PreventionGenetics, part of Exact Sciences
Classification: Pathogenic for MYO15A-related condition. Last evaluated: 2026-07-07. Review status: criteria provided, single submitter. Criteria: ACMG Guidelines, 2015. Collection method: clinical testing. Allele origin: germline.
Comment: The MYO15A c.8183G>A variant is predicted to result in the amino acid substitution p.Arg2728His. This variant has been reported in the homozygous and compound heterozygous states in multiple individuals with severe to profound autosomal recessive non-syndromic hearing loss and has been shown to co-segregate with disease in multiple families (for example, see Brownstein et al. 2011. PubMed ID: 21917145; Table S2B, Abu Rayyan et al. 2020. PubMed ID: 32747562; Hirsch et al. 2021. PubMed ID: 33398081). This variant is reported in 0.069% of alleles in individuals of European (Finnish) descent in gnomAD. Other missense substitutions of the same amino acid (p.Arg2728Cys, p.Arg2728Gly) have also been reported in individuals with hearing loss (Manzoli et al. 2016. PubMed ID: 27870113; Chen et al. 2022. PubMed ID: 34974475). Taken together, the p.Arg2728His variant is interpreted as pathogenic.

CeGaT Center for Human Genetics Tuebingen
Classification: Pathogenic. Last evaluated: 2026-07-01. Review status: criteria provided, single submitter. Criteria: CeGaT Center For Human Genetics Tuebingen Variant Classification Criteria Version 2. Collection method: clinical testing. Allele origin: germline. Affected: yes. Observed: 2 variant alleles.
Comment: MYO15A: PM3:Very Strong, PM2, PM5:Supporting

Laboratory of Molecular, Cellular and Translation Genetics in Otolaryngology/ Lim32-hcfmusp, University of Sao Paulo School of Medicine Clinics Hospital
Classification: Likely pathogenic for Autosomal recessive nonsyndromic hearing loss 3. Last evaluated: 2026-04-30. Review status: criteria provided, single submitter. Criteria: ClinGen HL ACMG Specifications v1. Collection method: research. Allele origin: germline. Affected: yes.
Comment: NM_016239.4:c.8183G>A:p.(Arg2728His). This variant has been classified as likely pathogenic. It is rare in population databases (PM2_supporting) and has been previously reported in trans with other pathogenic MYO15A variants (PM3). In silico prediction tools support a deleterious effect on protein function (PP3_moderate). These findings support its role in autosomal recessive hearing loss.

Genetics Laboratory, Great Ormond Street Hospital NHS Foundation Trust, North Thames Genomic Laboratory Hub
Classification: Pathogenic for Monogenic hearing loss. Last evaluated: 2025-08-16. Review status: criteria provided, single submitter. Criteria: ACGS Best Practice Guidelines for Variant Classification in Rare Disease 2024 v1.2. Collection method: clinical testing. Allele origin: germline. Affected: yes.
Comment: PM2_supporting, PP3_supporting, PM3_very-strong

GeneDx
Classification: Pathogenic. Last evaluated: 2025-07-15. Review status: criteria provided, single submitter. Criteria: GeneDx Variant Classification Process June 2021. Collection method: clinical testing. Allele origin: germline. Affected: yes.
Comment: In silico analysis supports that this missense variant has a deleterious effect on protein structure/function; This variant is associated with the following publications: (PMID: 21917145, 27375115, 25792667, 30579064, 23767834, 30622556, 34426522, 37108562, 31827275, 32747562, 33398081, 35982127, 38868966, 39161163, 39036705)

Labcorp Genetics (formerly Invitae), Labcorp
Classification: Pathogenic. Last evaluated: 2025-06-24. Review status: criteria provided, single submitter. Criteria: Invitae Variant Classification Sherloc (09022015). Collection method: clinical testing. Allele origin: germline.
Comment: This sequence change replaces arginine, which is basic and polar, with histidine, which is basic and polar, at codon 2728 of the MYO15A protein (p.Arg2728His). This variant is present in population databases (rs184435771, gnomAD 0.06%). This missense change has been observed in individuals with deafness (PMID: 21917145, 30622556, 31827275, 32747562, 33398081). It has also been observed to segregate with disease in related individuals. ClinVar contains an entry for this variant (Variation ID: 228276). Invitae Evidence Modeling of protein sequence and biophysical properties (such as structural, functional, and spatial information, amino acid conservation, physicochemical variation, residue mobility, and thermodynamic stability) has been performed for this missense variant. However, the output from this modeling did not meet the statistical confidence thresholds required to predict the impact of this variant on MYO15A protein function. For these reasons, this variant has been classified as Pathogenic.

Ambry Genetics
Classification: Pathogenic for Inborn genetic diseases. Last evaluated: 2025-01-15. Review status: criteria provided, single submitter. Criteria: Ambry Variant Classification Scheme 2023. Collection method: clinical testing. Allele origin: germline.
Comment: The c.8183G>A (p.R2728H) alteration is located in exon 45 (coding exon 44) of the MYO15A gene. This alteration results from a G to A substitution at nucleotide position 8183, causing the arginine (R) at amino acid position 2728 to be replaced by a histidine (H). Based on data from gnomAD, the A allele has an overall frequency of 0.019% (52/280438) total alleles studied. The highest observed frequency was 0.069% (17/24776) of European (Finnish) alleles. This variant has been identified in conjunction with other MYO15A variant(s) in individual(s) with features consistent with MYO15A-related deafness; in at least one instance, the variants were identified in trans (Downie, 2020; Wu, 2022; Brownstein, 2011; Sansovi, 2024). This amino acid position is highly conserved in available vertebrate species. This alteration is predicted to be deleterious by in silico analysis. Based on the available evidence, this alteration is classified as pathogenic.

Blueprint Genetics
Classification: Pathogenic for MYO15A-related disorders. Last evaluated: 2024-11-27. Review status: criteria provided, single submitter. Criteria: ACMG Guidelines, 2015. Collection method: clinical testing. Allele origin: germline. Affected: yes. Observed: 5 variant alleles.

Department of Otolaryngology – Head & Neck Surgery, Cochlear Implant Center
Classification: Pathogenic for Hearing impairment. Last evaluated: 2021-04-12. Review status: criteria provided, single submitter. Criteria: ClinGen HL ACMG Specifications v1. Collection method: clinical testing. Allele origin: germline. Affected: yes.
Comment: PS1_Strong, PM2_Moderate, PM3_Moderate, PP1_Supporting, PP3_Supporting

Laboratory of Prof. Karen Avraham, Tel Aviv University
Classification: Pathogenic for Autosomal recessive nonsyndromic hearing loss 3. Last evaluated: 2020-10-27. Review status: criteria provided, single submitter. Criteria: ACMG Guidelines, 2015. Collection method: research. Allele origin: germline. Affected: yes.
Comment: Recessive, congenital SNHL

Compound heterozygous with NM_016239.4:c.373del; compound heterozygous with NM_016239.4:c.6306_6307insG; compound heterozygous with NM_016239.4:c.9861C>T

Laboratory for Molecular Medicine, Mass General Brigham Personalized Medicine
Classification: Likely pathogenic for Rare genetic deafness. Last evaluated: 2020-01-03. Review status: criteria provided, single submitter. Criteria: LMM Criteria. Collection method: clinical testing. Allele origin: germline. Inheritance: Autosomal recessive inheritance. Observed: 5 variant alleles.
Comment: The p.Arg2728His variant in MYO15A has been previously reported in 5 probands with hearing loss, 4 of whom were compound heterozygous for a pathogenic or likely pathogenic variant in MYO15A (Brownstein 2011, Yang 2013, LMM Data). In one family, the p.Arg2728His variant and a frameshift variant were confirmed in trans in the proband, segregated with hearing loss in one affected family member, and two unaffected siblings were either either a carrier or wild-type (Brownstein 2011). This variant has been identified in 0.07% (17/24776) of Finnish chromosomes. This frequency is low enough to be consistent with a recessive carrier frequency. Computational prediction tools and conservation analysis suggest that this variant may impact the protein, though this information is not predictive enough to determine pathogenicity. In summary, although additional studies are required to fully establish its clinical significance, this variant is likely pathogenic for autosomal recessive hearing loss. ACMG/AMP criteria applied: PM3_Strong, PP1, PM2_Supporting, PP3.

Knight Diagnostic Laboratories, Oregon Health and Sciences University
Classification: Likely pathogenic. Last evaluated: 2019-11-14. Review status: criteria provided, single submitter. Criteria: ACMG Guidelines, 2015. Collection method: clinical testing. Allele origin: germline. Observed: 1 variant allele.